The following is an entry in ClinVar:

NM_022124.6(CDH23):c.6678C>T (p.Asn2226=)

Gene: CDH23 (cadherin related 23; plus strand). Cytogenetic location: 10q22.1.
Variant type: single nucleotide variant.
Coding change: c.6678C>T on transcript NM_022124.6 (MANE Select); coding-DNA position 6678, C replaced by T.
Protein change: p.Asn2226=; no amino-acid change (asparagine 2226 retained).
Molecular consequence: synonymous variant.
Genome position (GRCh38, 1-based): chr10:71,793,606, C>T. VCF-style: chr10-71793606-C-T. GRCh37 (hg19) VCF-style: chr10-73553363-C-T.
Identifiers: ClinVar variation 749397 (VCV000749397.15), dbSNP rs372120764, ClinGen allele CA5546147.
Genomic context (GRCh38, chr10:71,793,606, plus strand): 5'-GCTAGAGTACCACATTGTCGGCATTGTGGCCAAGGACGACACTGATCGCCTGGTGCCCAA[C>T]CAGGAGGACGCCTTTGCTGTGAATATCAACACAGGTACAAGGGCCTGCACCCCTCCCACC-3'
Protein context (NP_071407.4, residues 2216-2236): AKDDTDRLVP[Asn2226=]QEDAFAVNIN

ClinVar aggregate classification (germline): Conflicting classifications of pathogenicity. Review status: criteria provided, conflicting classifications (1 of 4 stars). 5 submissions from 5 submitters: Uncertain significance (1); Likely benign (3). 1 of the submissions does not count toward it. Last evaluated 2026-06-23.

Conditions:
CDH23-related disorder. Also called: CDH23-related disorders; CDH23-related condition.
Usher syndrome type 1 (USH1). Also called: RETINITIS PIGMENTOSA AND CONGENITAL DEAFNESS. Identifiers: Orphanet 231169, Orphanet 886, MedGen C1568247, MONDO:0010168, OMIM 276900.

Allele frequency attached by ClinVar (database versions not stated): gnomAD exomes 0.00011 and 0.00012; TOPMed 0.00011; gnomAD 0.00012 and 0.00011; ExAC 0.00008; ESP Exome Variant Server 0.00008.
gnomAD v4.1: 191 of 1,604,364 alleles (0.012%); highest among the groups gnomAD compares: Admixed American, 0.017%; no homozygotes.

Submissions (5):

PreventionGenetics, part of Exact Sciences
Classification: Likely benign for CDH23-related condition. Last evaluated: 2026-06-23. Review status: criteria provided, single submitter. Criteria: ACMG Guidelines, 2015. Collection method: clinical testing. Allele origin: germline.
Comment: This variant is classified as likely benign based on ACMG/AMP sequence variant interpretation guidelines (Richards et al. 2015 PMID: 25741868, with internal and published modifications).

Labcorp Genetics (formerly Invitae), Labcorp
Classification: Likely benign. Last evaluated: 2026-01-15. Review status: criteria provided, single submitter. Criteria: Invitae Variant Classification Sherloc (09022015). Collection method: clinical testing. Allele origin: germline.

GeneDx
Classification: Uncertain significance. Last evaluated: 2024-12-31. Review status: criteria provided, single submitter. Criteria: GeneDx Variant Classification Process June 2021. Collection method: clinical testing. Allele origin: germline.
Comment: In silico analysis indicates that this variant does not alter splicing; Has not been previously published as pathogenic or benign to our knowledge

Blueprint Genetics
Classification: Likely benign. Last evaluated: 2023-04-14. Review status: criteria provided, single submitter. Criteria: ACMG Guidelines, 2015. Collection method: clinical testing. Allele origin: germline.

Natera, Inc.
Classification: Uncertain significance for Usher syndrome type 1. Last evaluated: 2020-02-13. Review status: no assertion criteria provided. Collection method: clinical testing. Allele origin: germline. Not counted in ClinVar's aggregate classification.